The following is an entry in ClinVar:

ClinVar aggregate classification (germline): Uncertain significance. Review status: criteria provided, multiple submitters, no conflicts (2 of 4 stars). 9 submissions from 8 submitters: Uncertain significance (9). Last evaluated 2026-07-21.

Conditions:
Charcot-Marie-Tooth disease type 4J (CMT4J). Also called: CHARCOT-MARIE-TOOTH DISEASE, AUTOSOMAL RECESSIVE, TYPE 4J; Charcot-Marie-Tooth Neuropathy Type 4J; CHARCOT-MARIE-TOOTH DISEASE, DEMYELINATING, TYPE 4J. Identifiers: Orphanet 139515, MedGen C1970011, MONDO:0012640, OMIM 611228.
Amyotrophic lateral sclerosis type 11 (ALS11). Identifiers: Orphanet 803, MedGen C2675491, MONDO:0012945, OMIM 612577.
FIG4-related disorder. Also called: FIG4-related condition; FIG4-related disorders.
Inborn genetic diseases. Identifiers: MedGen C0950123, MeSH D030342.
Charcot-Marie-Tooth disease type 4. Also called: Charcot-Marie-Tooth disease, type IV; Charcot-Marie-Tooth, Type 4. Identifiers: Orphanet 64749, MedGen C4082197, MONDO:0018995.
Yunis-Varon syndrome (YVS). Also called: Cleidocranial dysplasia, micrognathia, absent thumbs, & distal aphalangia. Identifiers: Orphanet 3472, MedGen C1857663, MONDO:0008995, OMIM 216340.

Allele frequency attached by ClinVar (database versions not stated): TOPMed 0.00005; ExAC 0.00006; gnomAD exomes 0.00006 and 0.00008; gnomAD 0.00007.

Submissions (9):

PreventionGenetics, part of Exact Sciences
Classification: Uncertain significance for FIG4-related condition. Last evaluated: 2026-07-21. Review status: criteria provided, single submitter. Criteria: ACMG Guidelines, 2015. Collection method: clinical testing. Allele origin: germline.
Comment: The FIG4 c.2096G>A variant is predicted to result in the amino acid substitution p.Arg699His. This variant also occurs at the last nucleotide of exon 18 and is predicted to alter splicing based on available splicing prediction software (SpliceAI, Jaganathan et al. 2019. PubMed ID: 30661751). However, the use of computer prediction software is not equivalent to functional evidence. This variant has been reported in individuals with amyotrophic lateral sclerosis and in an individual with Charcot-Marie-Tooth disease, but no additional studies were performed to help assess its pathogenicity (Brenner et al. 2018. PubMed ID: 29342275; Müller et al. 2018. PubMed ID: 29650794; Table S2, Volodarsky et al. 2020. PubMed ID: 32376792). This variant is reported in 0.0093% of alleles in individuals of European (non-Finnish) descent in gnomAD and is interpreted as uncertain in the ClinVar database. At this time, the clinical significance of this variant is uncertain due to the absence of conclusive functional and genetic evidence.

Blueprint Genetics
Classification: Uncertain significance. Last evaluated: 2024-11-25. Review status: criteria provided, single submitter. Criteria: ACMG Guidelines, 2015. Collection method: clinical testing. Allele origin: germline.

Labcorp Genetics (formerly Invitae), Labcorp
Classification: Uncertain significance for Charcot-Marie-Tooth disease type 4. Last evaluated: 2024-01-22. Review status: criteria provided, single submitter. Criteria: Invitae Variant Classification Sherloc (09022015). Collection method: clinical testing. Allele origin: germline.
Comment: This sequence change affects codon 699 of the FIG4 mRNA. It is a 'silent' change, meaning that it does not change the encoded amino acid sequence of the FIG4 protein. This variant also falls at the last nucleotide of exon 18, which is part of the consensus splice site for this exon. This variant is present in population databases (rs750091928, gnomAD 0.009%). This variant has been observed in individual(s) with amyotrophic lateral sclerosis or Charcot-Marie-Tooth disease (PMID: 29342275, 29650794, 32376792). ClinVar contains an entry for this variant (Variation ID: 355043). Algorithms developed to predict the effect of missense changes on protein structure and function output the following: SIFT: "Not Available"; PolyPhen-2: "Possibly Damaging"; Align-GVGD: "Not Available". The histidine amino acid residue is found in multiple mammalian species, which suggests that this missense change does not adversely affect protein function. Variants that disrupt the consensus splice site are a relatively common cause of aberrant splicing (PMID: 17576681, 9536098). Algorithms developed to predict the effect of sequence changes on RNA splicing suggest that this variant may disrupt the consensus splice site. In summary, the available evidence is currently insufficient to determine the role of this variant in disease. Therefore, it has been classified as a Variant of Uncertain Significance.

Ambry Genetics
Classification: Uncertain significance for Inborn genetic diseases. Last evaluated: 2024-01-08. Review status: criteria provided, single submitter. Criteria: Ambry Variant Classification Scheme 2023. Collection method: clinical testing. Allele origin: germline.
Comment: Occurs in the last base pair of the exon Based on insufficient or conflicting evidence, the clinical significance of this alteration remains unclear.

ARUP Laboratories, Molecular Genetics and Genomics, ARUP Laboratories
Classification: Uncertain significance. Last evaluated: 2021-03-18. Review status: criteria provided, single submitter. Criteria: ARUP Molecular Germline Variant Investigation Process 2021. Collection method: clinical testing. Allele origin: germline.
Comment: The FIG4 c.2096G>A; p.Arg699His variant (rs750091928) is reported in the literature in one individual affected with ALS (Brenner 2018). This variant is also reported in ClinVar (Variation ID: 355043). This variant is found in the non-Finnish European population with an allele frequency of 0.009% (12/129,068 alleles) in the Genome Aggregation Database. The arginine at codon 699 is highly conserved, but computational analyses are uncertain whether this variant is neutral or deleterious (REVEL: 0.34). This variant alters a moderately conserved nucleotide, and computational analyses (Alamut v.2.11) predict that this variant may impact splicing by weakening the nearby canonical donor splice site. Due to limited information, the clinical significance of the p.Arg699His variant is uncertain at this time.

Centre for Mendelian Genomics, University Medical Centre Ljubljana
Classification: Uncertain significance for Yunis-Varon syndrome. Last evaluated: 2019-07-26. Review status: criteria provided, single submitter. Criteria: ACMG Guidelines, 2015. Collection method: clinical testing. Allele origin: unknown. Affected: yes.
Comment: This variant was classified as: Uncertain significance. The available evidence on this variant's pathogenicity is insufficient or conflicting. The following ACMG criteria were applied in classifying this variant: PP3.

Illumina Laboratory Services, Illumina
Classification: Uncertain significance for Charcot-Marie-Tooth disease type 4J. Last evaluated: 2018-01-12. Review status: criteria provided, single submitter. Criteria: ICSL Variant Classification Criteria 13 December 2019. Collection method: clinical testing. Allele origin: germline.

Illumina Laboratory Services, Illumina
Classification: Uncertain significance for Amyotrophic lateral sclerosis type 11. Last evaluated: 2018-01-12. Review status: criteria provided, single submitter. Criteria: ICSL Variant Classification Criteria 13 December 2019. Collection method: clinical testing. Allele origin: germline.

GeneDx
Classification: Uncertain significance. Last evaluated: 2017-03-23. Review status: criteria provided, single submitter. Criteria: GeneDx Variant Classification (06012015). Collection method: clinical testing. Allele origin: germline. Affected: yes.
Comment: A variant of uncertain significance has been identified in the FIG4 gene. The c.2096 G>A variant has not been published as a pathogenic variant, nor has it been reported as a benign variant to our knowledge. The c.2096 G>A variant is observed in 6/66,730 (0.01%) alleles from individuals of European background, in the ExAC dataset (Lek et al., 2016; 1000 Genomes Consortium et al., 2015; Exome Variant Server). Several in-silico splice prediction models predict that c.2096 G>A damages the natural donor site of exon 18 which may lead to abnormal gene splicing. However, in the absence of RNA/functional studies, the actual effect of this sequence change in this individual is unknown. If c.2096 G>A does not effect splicing, it will result in a R699H missense variant. The R699H variant is a conservative amino acid substitution, which is not likely to impact secondary protein structure as these residues share similar properties. However, this substitution occurs at a position that is conserved across species, and in silico analysis predicts this variant is probably damaging to the protein structure/function. Therefore, based on the currently available information, it is unclear whether this variant is a pathogenic variant or a rare benign variant.

Literature cited by the submitters: PubMed 29342275 (cited by Labcorp Genetics (formerly Invitae), Labcorp and Ambry Genetics); PubMed 29650794 (cited by Labcorp Genetics (formerly Invitae), Labcorp and Ambry Genetics); PubMed 32376792 (cited by Labcorp Genetics (formerly Invitae), Labcorp and Ambry Genetics); PubMed 17576681 (cited by Labcorp Genetics (formerly Invitae), Labcorp); PubMed 9536098 (cited by Labcorp Genetics (formerly Invitae), Labcorp); PubMed 25614874 (cited by Ambry Genetics); PubMed 37223130 (cited by Ambry Genetics).

NM_014845.6(FIG4):c.2096G>A (p.Arg699His)

Gene: FIG4 (FIG4 phosphoinositide 5-phosphatase; plus strand). Cytogenetic location: 6q21.
Variant type: single nucleotide variant.
Coding change: c.2096G>A on transcript NM_014845.6 (MANE Select); coding-DNA position 2096, G replaced by A.
Protein change: p.Arg699His; replaces arginine 699 with histidine.
Molecular consequence: missense variant.
Genome position (GRCh38, 1-based): chr6:109,786,449, G>A. VCF-style: chr6-109786449-G-A. GRCh37 (hg19) VCF-style: chr6-110107652-G-A.
Other names: short protein forms R699H.
Identifiers: ClinVar variation 355043 (VCV000355043.22), dbSNP rs750091928, ClinGen allele CA3956271.